The following is an entry in ClinVar:

NM_030957.4(ADAMTS10):c.1523G>A (p.Cys508Tyr)

Gene: ADAMTS10 (ADAM metallopeptidase with thrombospondin type 1 motif 10; minus strand). Cytogenetic location: 19p13.2.
Variant type: single nucleotide variant.
Coding change: c.1523G>A on transcript NM_030957.4 (MANE Select); coding-DNA position 1523, G replaced by A.
Protein change: p.Cys508Tyr; replaces cysteine 508 with tyrosine.
Molecular consequence: missense variant.
Genome position (GRCh38, 1-based): chr19:8,592,827, C>T on the plus strand (G>A on the coding strand, the complement: ADAMTS10 is on the minus strand). VCF-style: chr19-8592827-C-T. GRCh37 (hg19) VCF-style: chr19-8657711-C-T.
Other names: short protein forms C508Y.
Identifiers: ClinVar variation 1401625 (VCV001401625.6), dbSNP rs2146071016, ClinGen allele CA403754437.

ClinVar aggregate classification (germline): Uncertain significance (1 of 4 stars; one submission).

Submission:

Labcorp Genetics (formerly Invitae), Labcorp
Classification: Uncertain significance. Last evaluated: 2022-07-12. Review status: criteria provided, single submitter. Criteria: Invitae Variant Classification Sherloc (09022015). Collection method: clinical testing. Allele origin: germline.
Comment: In summary, the available evidence is currently insufficient to determine the role of this variant in disease. Therefore, it has been classified as a Variant of Uncertain Significance. Algorithms developed to predict the effect of missense changes on protein structure and function (SIFT, PolyPhen-2, Align-GVGD) all suggest that this variant is likely to be disruptive. ClinVar contains an entry for this variant (Variation ID: 1401625). This variant has not been reported in the literature in individuals affected with ADAMTS10-related conditions. This variant is not present in population databases (gnomAD no frequency). This sequence change replaces cysteine, which is neutral and slightly polar, with tyrosine, which is neutral and polar, at codon 508 of the ADAMTS10 protein (p.Cys508Tyr).